The following is an entry in ClinVar:

NM_177438.3(DICER1):c.5402A>T (p.Asp1801Val)

Gene: DICER1 (dicer 1, ribonuclease III; minus strand). Cytogenetic location: 14q32.13.
Variant type: single nucleotide variant.
Coding change: c.5402A>T on transcript NM_177438.3 (MANE Select); coding-DNA position 5402, A replaced by T.
Protein change: p.Asp1801Val; replaces aspartic acid 1801 with valine.
Molecular consequence: missense variant. On other transcripts: non-coding transcript variant (6), intron variant (1).
Genome position (GRCh38, 1-based): chr14:95,091,328, T>A on the plus strand (A>T on the coding strand, the complement: DICER1 is on the minus strand). VCF-style: chr14-95091328-T-A. GRCh37 (hg19) VCF-style: chr14-95557665-T-A.
Other names: c.5402A>T, p.Asp1801Val (NM_001395679.1, NM_001395680.1, NM_001395682.1 and 7 more transcripts); c.5120A>T, p.Asp1707Val (NM_001395686.1); c.4997A>T, p.Asp1666Val (NM_001395687.1, NM_001395688.1, NM_001395689.1 and 1 more transcripts); c.4835A>T, p.Asp1612Val (NM_001395691.1); c.3719A>T, p.Asp1240Val (NM_001395697.1); c.5365-219A>T (NM_001195573.1); short protein forms D1612V, D1707V, D1240V, D1801V, D1666V.
Identifiers: ClinVar variation 4826970 (VCV004826970.1).

ClinVar aggregate classification (germline): Uncertain significance (1 of 4 stars; one submission).

Conditions:
Hereditary cancer-predisposing syndrome. Also called: Neoplastic Syndromes, Hereditary; Tumor predisposition; Hereditary Cancer Syndrome; Hereditary neoplastic syndrome. Identifiers: Orphanet 140162, MedGen C0027672, MeSH D009386, MONDO:0015356.

Submission:

Ambry Genetics
Classification: Uncertain significance for Hereditary cancer-predisposing syndrome. Last evaluated: 2026-03-09. Review status: criteria provided, single submitter. Criteria: Ambry Variant Classification Scheme 2023. Collection method: clinical testing. Allele origin: germline.
Comment: The p.D1801V variant (also known as c.5402A>T), located in coding exon 24 of the DICER1 gene, results from an A to T substitution at nucleotide position 5402. The aspartic acid at codon 1801 is replaced by valine, an amino acid with highly dissimilar properties. This amino acid position is conserved. In addition, this alteration is predicted to be deleterious by in silico analysis. Based on the available evidence, the clinical significance of this variant remains unclear.